The following is an entry in ClinVar:

ClinVar aggregate classification (germline): Uncertain significance (1 of 4 stars; one submission).

Conditions:
Hereditary cancer-predisposing syndrome. Also called: Tumor predisposition; Hereditary Cancer Syndrome; Neoplastic Syndromes, Hereditary; Hereditary neoplastic syndrome. Identifiers: Orphanet 140162, MedGen C0027672, MeSH D009386, MONDO:0015356.

Submission:

Ambry Genetics
Classification: Uncertain significance for Hereditary cancer-predisposing syndrome. Last evaluated: 2019-10-02. Review status: criteria provided, single submitter. Criteria: Ambry Variant Classification Scheme 2023. Collection method: clinical testing. Allele origin: germline.
Comment: The c.2990delG variant, located in coding exon 23 of the POLD1 gene, results from a deletion of one nucleotide at nucleotide position 2990, causing a translational frameshift with a predicted alternate stop codon (p.G997Afs*48). This alteration is expected to result in loss of function by premature protein truncation or nonsense-mediated mRNA decay. However, loss of function of POLD1 has not been clearly established as a mechanism of disease. Since supporting evidence is limited at this time, the clinical significance of this alteration remains unclear.

NM_002691.4(POLD1):c.2990del (p.Gly997fs)

Gene: POLD1 (DNA polymerase delta 1, catalytic subunit; plus strand). Cytogenetic location: 19q13.33.
Variant type: Deletion.
Coding change: c.2990del on transcript NM_002691.4 (MANE Select); coding-DNA position 2990, one base deleted (G; older notation c.2990delG).
Protein change: p.Gly997fs; shifts the reading frame from glycine 997.
Molecular consequence: frameshift variant. On other transcripts: non-coding transcript variant (1).
Genome position (GRCh38, 1-based): chr19:50,416,646, G deleted; the last of 3 consecutive G bases (chr19:50,416,644-50,416,646); deleting any one gives the same sequence. VCF-style (leftmost placement, unchanged base first): chr19-50416643-CG-C. GRCh37 (hg19) VCF-style: chr19-50919900-CG-C.
Other names: c.2990del, p.Gly997fs (NM_001256849.1); c.3068del, p.Gly1023fs (NM_001308632.1); short protein forms G1023fs, G997fs.
Identifiers: ClinVar variation 822445 (VCV000822445.4), dbSNP rs1601247503, ClinGen allele CA915951896.
Genomic context (GRCh38, chr19:50,416,643, plus strand): 5'-GCCCACCACCTGCCTCCTCTCCTGCAGGGGGGGACCACACGCGCTGCAAGACGGTGCTCA[CG>C]GGCAAGGTGGGCGGCCTCCTGGCCTTCGCCAAACGCCGCAACTGCTGCATTGGCTGCCGC-3'